The following is an entry in ClinVar:

ClinVar aggregate classification (germline): Conflicting classifications of pathogenicity. Review status: criteria provided, conflicting classifications (1 of 4 stars). 2 submissions from 2 submitters: Uncertain significance (1); Likely benign (1). Last evaluated 2021-05-05.

Conditions:
Hereditary cancer-predisposing syndrome. Also called: Neoplastic Syndromes, Hereditary; Tumor predisposition; Hereditary neoplastic syndrome; Hereditary Cancer Syndrome. Identifiers: Orphanet 140162, MedGen C0027672, MeSH D009386, MONDO:0015356.
Hereditary breast ovarian cancer syndrome. Also called: BRCA1- and BRCA2-Associated Hereditary Breast and Ovarian Cancer; Hereditary breast and ovarian cancer; Hereditary breast and ovarian cancer syndrome; Hereditary breast and ovarian cancer syndrome (HBOC); Breast and ovarian cancer; Hereditary breast and/or ovarian cancer syndrome. Identifiers: Orphanet 145, MedGen C0677776, MeSH D061325, MONDO:0003582. Disease mechanism: loss of function.

Submissions (2):

Labcorp Genetics (formerly Invitae), Labcorp
Classification: Uncertain significance for Hereditary breast ovarian cancer syndrome. Last evaluated: 2021-05-05. Review status: criteria provided, single submitter. Criteria: Invitae Variant Classification Sherloc (09022015). Collection method: clinical testing. Allele origin: germline.
Comment: In summary, the available evidence is currently insufficient to determine the role of this variant in disease. Therefore, it has been classified as a Variant of Uncertain Significance. Advanced modeling of protein sequence and biophysical properties (such as structural, functional, and spatial information, amino acid conservation, physicochemical variation, residue mobility, and thermodynamic stability) performed at Invitae indicates that this missense variant is not expected to disrupt BRCA2 protein function. This variant has not been reported in the literature in individuals with BRCA2-related conditions. This variant is not present in population databases (ExAC no frequency). This sequence change replaces threonine with isoleucine at codon 2469 of the BRCA2 protein (p.Thr2469Ile). The threonine residue is weakly conserved and there is a moderate physicochemical difference between threonine and isoleucine.

Ambry Genetics
Classification: Likely benign for Hereditary cancer-predisposing syndrome. Last evaluated: 2017-10-19. Review status: criteria provided, single submitter. Criteria: Ambry Variant Classification Scheme 2023. Collection method: clinical testing. Allele origin: germline.

NM_000059.4(BRCA2):c.7406C>T (p.Thr2469Ile)

Gene: BRCA2 (BRCA2 DNA repair associated; plus strand). Cytogenetic location: 13q13.1.
Variant type: single nucleotide variant.
Coding change: c.7406C>T on transcript NM_000059.4 (MANE Select); coding-DNA position 7406, C replaced by T.
Protein change: p.Thr2469Ile; replaces threonine 2469 with isoleucine.
Molecular consequence: missense variant.
Genome position (GRCh38, 1-based): chr13:32,355,259, C>T. VCF-style: chr13-32355259-C-T. GRCh37 (hg19) VCF-style: chr13-32929396-C-T.
Other names: short protein forms T2469I.
Identifiers: ClinVar variation 1351654 (VCV001351654.10), dbSNP rs2137558833, ClinGen allele CA387741888.